The following is an entry in ClinVar:

ClinVar aggregate classification (germline): Pathogenic/Likely pathogenic. Review status: criteria provided, multiple submitters, no conflicts (2 of 4 stars). 2 submissions from 2 submitters: Pathogenic (1); Likely pathogenic (1). Last evaluated 2024-03-05.

Conditions:
Osteogenesis imperfecta type I (OI1). Also called: Lobstein's Disease; Lobstein disease; OI, TYPE I; OSTEOGENESIS IMPERFECTA TARDA; OSTEOGENESIS IMPERFECTA WITH BLUE SCLERAE; Osteogenesis imperfecta type 1. Identifiers: Orphanet 216796, Orphanet 666, MedGen C0023931, MONDO:0008146, OMIM 166200. Disease mechanism: loss of function.

Submissions (2):

Labcorp Genetics (formerly Invitae), Labcorp
Classification: Pathogenic for Osteogenesis imperfecta type I. Last evaluated: 2024-03-05. Review status: criteria provided, single submitter. Criteria: Invitae Variant Classification Sherloc (09022015). Collection method: clinical testing. Allele origin: germline.
Comment: This sequence change affects a donor splice site in intron 38 of the COL1A1 gene. It is expected to disrupt RNA splicing. Variants that disrupt the donor or acceptor splice site typically lead to a loss of protein function (PMID: 16199547), and loss-of-function variants in COL1A1 are known to be pathogenic (PMID: 7942841, 9295084, 9443882). This variant is not present in population databases (gnomAD no frequency). Disruption of this splice site has been observed in individuals with osteogenesis imperfecta, type 1 (PMID: 16879195, 21520333). This variant is also known as IVS39+1G>A. ClinVar contains an entry for this variant (Variation ID: 650669). Algorithms developed to predict the effect of sequence changes on RNA splicing suggest that this variant may disrupt the consensus splice site. For these reasons, this variant has been classified as Pathogenic.

CeGaT Center for Human Genetics Tuebingen
Classification: Likely pathogenic. Last evaluated: 2023-11-01. Review status: criteria provided, single submitter. Criteria: CeGaT Center For Human Genetics Tuebingen Variant Classification Criteria Version 2. Collection method: clinical testing. Allele origin: germline. Affected: yes. Observed: 1 variant allele.
Comment: COL1A1: PVS1:Strong, PM2, PP4, PS4:Supporting

Literature cited by the submitters: PubMed 16199547 (cited by Labcorp Genetics (formerly Invitae), Labcorp); PubMed 7942841 (cited by Labcorp Genetics (formerly Invitae), Labcorp); PubMed 9295084 (cited by Labcorp Genetics (formerly Invitae), Labcorp); PubMed 9443882 (cited by Labcorp Genetics (formerly Invitae), Labcorp); PubMed 16879195 (cited by Labcorp Genetics (formerly Invitae), Labcorp); PubMed 21520333 (cited by Labcorp Genetics (formerly Invitae), Labcorp).

NM_000088.4(COL1A1):c.2667+1G>A

Gene: COL1A1 (collagen type I alpha 1 chain; minus strand). Cytogenetic location: 17q21.33.
Variant type: single nucleotide variant.
Coding change: c.2667+1G>A on transcript NM_000088.4 (MANE Select); the canonical splice donor site of the intron after coding-DNA position 2667, G replaced by A.
Molecular consequence: splice donor variant.
Genome position (GRCh38, 1-based): chr17:50,189,678, C>T on the plus strand (G>A on the coding strand, the complement: COL1A1 is on the minus strand). VCF-style: chr17-50189678-C-T. GRCh37 (hg19) VCF-style: chr17-48267039-C-T.
Identifiers: ClinVar variation 650669 (VCV000650669.30), dbSNP rs72653150, ClinGen allele CA291543230.